The following is an entry in ClinVar:

NM_144992.5(VWA3B):c.2816G>A (p.Arg939Gln)

Gene: VWA3B (von Willebrand factor A domain containing 3B; plus strand). Cytogenetic location: 2q11.2.
Variant type: single nucleotide variant.
Coding change: c.2816G>A on transcript NM_144992.5 (MANE Select); coding-DNA position 2816, G replaced by A.
Protein change: p.Arg939Gln; replaces arginine 939 with glutamine.
Molecular consequence: missense variant. On other transcripts: non-coding transcript variant (1).
Genome position (GRCh38, 1-based): chr2:98,256,147, G>A. VCF-style: chr2-98256147-G-A. GRCh37 (hg19) VCF-style: chr2-98872610-G-A.
Other names: c.2816G>A (NM_144992.4); c.1787G>A, p.Arg596Gln (NM_001345864.2); short protein forms R596Q, R939Q.
Identifiers: ClinVar variation 2651177 (VCV002651177.25), dbSNP rs201509981, ClinGen allele CA1793085.
Genomic context (GRCh38, chr2:98,256,147, plus strand): 5'-TGCTACAAAATTATTGTTGACTTTTTTTTTTTAACAGGCGCTTGAATAAAATTGTTTGGC[G>A]AGCATTATCTCAAGAGGAAAAAGAAAAGTAAGCCATTCCATTCCCTCCTCACTTTTTTTT-3'
Protein context (NP_659429.4, residues 929-949): YEKRLNKIVW[Arg939Gln]ALSQEEKEKL

ClinVar aggregate classification (germline): Likely benign. Review status: criteria provided, single submitter (1 of 4 stars). 2 submissions from 2 submitters: Likely benign (1). 1 of the submissions does not count toward it. Last evaluated 2023-08-01.

Conditions:
VWA3B-related disorder. Also called: VWA3B-related condition.

Allele frequency attached by ClinVar (database versions not stated): gnomAD exomes 0.00071; 1000 Genomes Project 30x 0.00078; 1000 Genomes Project 0.00080; ExAC 0.00138; TOPMed 0.00033; gnomAD 0.00038.
gnomAD v4.1: 1,113 of 1,612,774 alleles (0.069%); highest among the groups gnomAD compares: South Asian, 0.76%; 13 homozygotes.

Submissions (2):

CeGaT Center for Human Genetics Tuebingen
Classification: Likely benign. Last evaluated: 2023-08-01. Review status: criteria provided, single submitter. Criteria: CeGaT Center For Human Genetics Tuebingen Variant Classification Criteria Version 2. Collection method: clinical testing. Allele origin: germline. Affected: yes. Observed: 1 variant allele.
Comment: VWA3B: BP4, BS2

PreventionGenetics, part of Exact Sciences
Classification: Benign for VWA3B-related condition. Last evaluated: 2019-12-11. Review status: no assertion criteria provided. Collection method: clinical testing. Allele origin: germline. Not counted in ClinVar's aggregate classification.
Comment: This variant is classified as benign based on ACMG/AMP sequence variant interpretation guidelines (Richards et al. 2015 PMID: 25741868, with internal and published modifications).